The following is an entry in ClinVar:

NM_002474.3(MYH11):c.5165C>T (p.Ser1722Leu)

Genes: MYH11 (myosin heavy chain 11; minus strand), NDE1 (nudE neurodevelopment protein 1; plus strand). Cytogenetic location: 16p13.11.
Variant type: single nucleotide variant.
Coding change: c.5165C>T on transcript NM_002474.3 (MANE Select); coding-DNA position 5165, C replaced by T.
Protein change: p.Ser1722Leu; replaces serine 1722 with leucine.
Molecular consequence: missense variant. On other transcripts: intron variant (2).
Genome position (GRCh38, 1-based): chr16:15,719,226, G>A on the plus strand (C>T on the coding strand, the complement: MYH11 is on the minus strand). VCF-style: chr16-15719226-G-A. GRCh37 (hg19) VCF-style: chr16-15813083-G-A.
Other names: c.5186C>T, p.Ser1729Leu (NM_001040113.2, NM_001040114.2); c.5165C>T, p.Ser1722Leu (NM_022844.3); c.948-4965G>A (NM_001143979.2, NM_017668.3); c.5165C>T (NM_002474.2); short protein forms S1729L, S1722L.
Identifiers: ClinVar variation 405462 (VCV000405462.19), dbSNP rs756025504, ClinGen allele CA7921401.

ClinVar aggregate classification (germline): Uncertain significance. Review status: criteria provided, multiple submitters, no conflicts (2 of 4 stars). 6 submissions from 6 submitters: Uncertain significance (6). Last evaluated 2025-05-27.

Conditions:
Aortic aneurysm, familial thoracic 4 (AAT4). Also called: AORTIC ANEURYSM/AORTIC DISSECTION AND PATENT DUCTUS ARTERIOSUS. Identifiers: MedGen C1851504, MONDO:0007568, OMIM 132900.
Visceral myopathy 2. Identifiers: MedGen C5543466, MONDO:0859157, OMIM 619350.
Megacystis-microcolon-intestinal hypoperistalsis syndrome 2. Identifiers: MedGen C5543476, MONDO:0025708, OMIM 619351.
Familial thoracic aortic aneurysm and aortic dissection (TAAD). Also called: Thoracic aortic aneurysms and dissections. Identifiers: Orphanet 91387, MedGen C4707243, MONDO:0019625.

Allele frequency attached by ClinVar (database versions not stated): ExAC 0.00001; gnomAD exomes 0.00001 and 0.00002; gnomAD 0.00002 and 0.00003; TOPMed 0.00002.
gnomAD v4.1: 20 of 1,613,394 alleles (0.0012%); highest among the groups gnomAD compares: East Asian, 0.0067%; no homozygotes.

Submissions (6):

Color Diagnostics, LLC DBA Color Health
Classification: Uncertain significance for Familial thoracic aortic aneurysm and aortic dissection. Last evaluated: 2025-05-27. Review status: criteria provided, single submitter. Criteria: ACMG Guidelines, 2015. Collection method: clinical testing. Allele origin: germline.
Comment: This missense variant replaces serine with leucine at codon 1729 of the MYH11 protein. Computational prediction suggests that this variant may not impact protein structure and function. To our knowledge, functional studies have not been reported for this variant. This variant has been reported in an individual affected with Marfan syndrome (PMID: 38958168). This variant has been identified in 6/282500 chromosomes in the general population by the Genome Aggregation Database (gnomAD). The available evidence is insufficient to determine the role of this variant in disease conclusively. Therefore, this variant is classified as a Variant of Uncertain Significance.

Ambry Genetics
Classification: Uncertain significance for Familial thoracic aortic aneurysm and aortic dissection. Last evaluated: 2025-05-22. Review status: criteria provided, single submitter. Criteria: Ambry Variant Classification Scheme 2023. Collection method: clinical testing. Allele origin: germline.
Comment: The p.S1722L variant (also known as c.5165C>T), located in coding exon 35 of the MYH11 gene, results from a C to T substitution at nucleotide position 5165. The serine at codon 1722 is replaced by leucine, an amino acid with dissimilar properties. This amino acid position is well conserved in available vertebrate species. In addition, the in silico prediction for this alteration is inconclusive. Based on the available evidence, the clinical significance of this variant remains unclear.

GeneDx
Classification: Uncertain significance. Last evaluated: 2024-03-24. Review status: criteria provided, single submitter. Criteria: GeneDx Variant Classification Process June 2021. Collection method: clinical testing. Allele origin: germline. Affected: yes.
Comment: In silico analysis supports that this missense variant has a deleterious effect on protein structure/function; Has not been previously published as pathogenic or benign to our knowledge

Labcorp Genetics (formerly Invitae), Labcorp
Classification: Uncertain significance for Aortic aneurysm, familial thoracic 4. Last evaluated: 2023-12-22. Review status: criteria provided, single submitter. Criteria: Invitae Variant Classification Sherloc (09022015). Collection method: clinical testing. Allele origin: germline.
Comment: This sequence change replaces serine, which is neutral and polar, with leucine, which is neutral and non-polar, at codon 1729 of the MYH11 protein (p.Ser1729Leu). This variant is present in population databases (rs756025504, gnomAD 0.02%). This variant has not been reported in the literature in individuals affected with MYH11-related conditions. ClinVar contains an entry for this variant (Variation ID: 405462). Advanced modeling of protein sequence and biophysical properties (such as structural, functional, and spatial information, amino acid conservation, physicochemical variation, residue mobility, and thermodynamic stability) performed at Invitae indicates that this missense variant is not expected to disrupt MYH11 protein function with a negative predictive value of 95%. In summary, the available evidence is currently insufficient to determine the role of this variant in disease. Therefore, it has been classified as a Variant of Uncertain Significance.

All of Us Research Program, National Institutes of Health
Classification: Uncertain significance for Familial thoracic aortic aneurysm and aortic dissection. Last evaluated: 2023-12-13. Review status: criteria provided, single submitter. Criteria: ACMG Guidelines, 2015. Collection method: clinical testing. Allele origin: germline. Inheritance: Autosomal dominant inheritance. Observed: 6 variant alleles, 6 heterozygotes.
Comment: This missense variant replaces serine with leucine at codon 1729 of the MYH11 protein. Computational prediction suggests that this variant may not impact protein structure and function (internally defined REVEL score threshold <= 0.5, PMID: 27666373). To our knowledge, functional studies have not been reported for this variant. This variant has not been reported in individuals affected with cardiovascular disorders in the literature. This variant has been identified in 6/282500 chromosomes in the general population by the Genome Aggregation Database (gnomAD). The available evidence is insufficient to determine the role of this variant in disease conclusively. Therefore, this variant is classified as a Variant of Uncertain Significance.

This study involves interpretation of variants in research participants for the purpose of population health screening. Participant phenotype was not available at the time of variant classification. Additional details can be found in publication PMID: 35346344, PMCID: PMC8962531

Fulgent Genetics
Classification: Uncertain significance for Aortic aneurysm, familial thoracic 4; Visceral myopathy 2; Megacystis-microcolon-intestinal hypoperistalsis syndrome 2. Last evaluated: 2022-02-23. Review status: criteria provided, single submitter. Criteria: ACMG Guidelines, 2015. Collection method: clinical testing. Allele origin: unknown.

Literature cited by the submitters: PubMed 38958168 (cited by Color Diagnostics, LLC DBA Color Health).